The following is an entry in ClinVar:

ClinVar aggregate classification (germline): Uncertain significance (1 of 4 stars; one submission).

Submission:

Labcorp Genetics (formerly Invitae), Labcorp
Classification: Uncertain significance. Last evaluated: 2023-06-18. Review status: criteria provided, single submitter. Criteria: Invitae Variant Classification Sherloc (09022015). Collection method: clinical testing. Allele origin: germline.
Comment: This variant is not present in population databases (gnomAD no frequency). This sequence change replaces serine, which is neutral and polar, with glycine, which is neutral and non-polar, at codon 279 of the CYFIP2 protein (p.Ser279Gly). This variant has not been reported in the literature in individuals affected with CYFIP2-related conditions. In summary, the available evidence is currently insufficient to determine the role of this variant in disease. Therefore, it has been classified as a Variant of Uncertain Significance. Experimental studies and prediction algorithms are not available or were not evaluated, and the functional significance of this variant is currently unknown.

NM_001037333.3(CYFIP2):c.835A>G (p.Ser279Gly)

Gene: CYFIP2 (cytoplasmic FMR1 interacting protein 2; plus strand). Cytogenetic location: 5q33.3.
Variant type: single nucleotide variant.
Coding change: c.835A>G on transcript NM_001037333.3 (MANE Select); coding-DNA position 835, A replaced by G.
Protein change: p.Ser279Gly; replaces serine 279 with glycine.
Molecular consequence: missense variant.
Genome position (GRCh38, 1-based): chr5:157,307,800, A>G. VCF-style: chr5-157307800-A-G. GRCh37 (hg19) VCF-style: chr5-156734808-A-G.
Other names: c.757A>G, p.Ser253Gly (NM_001291721.2); c.835A>G, p.Ser279Gly (NM_001291722.2, NM_014376.4); short protein forms S279G, S253G.
Identifiers: ClinVar variation 2718918 (VCV002718918.3), dbSNP rs2532337615, ClinGen allele CA361967506.